The following is an entry in ClinVar:

ClinVar aggregate classification (germline): Uncertain significance. Review status: criteria provided, multiple submitters, no conflicts (2 of 4 stars). 2 submissions from 2 submitters: Uncertain significance (2). Last evaluated 2024-01-09.

Conditions:
Hyperaldosteronism, familial, type IV (HALD4). Also called: FH IV; ALDOSTERONISM, PRIMARY, AND HYPERTENSION. Identifiers: Orphanet 642671, MedGen C4310756, MONDO:0014875, OMIM 617027.
Idiopathic generalized epilepsy. Also called: EIG; Generalised epilepsy. Identifiers: MedGen C0270850, MONDO:0005579, OMIM 600669.
Epilepsy, childhood absence, susceptibility to, 6. Identifiers: Orphanet 64280, MedGen C2749872, MONDO:0012763, OMIM 611942.

Allele frequency attached by ClinVar (database versions not stated): gnomAD exomes 0.00001; TOPMed 0.00001.
gnomAD v4.1: 19 of 1,600,616 alleles (0.0012%); highest among the groups gnomAD compares: East Asian, 0.014%; no homozygotes.

Submissions (2):

Fulgent Genetics
Classification: Uncertain significance for Epilepsy, childhood absence, susceptibility to, 6; Hyperaldosteronism, familial, type IV. Last evaluated: 2024-01-09. Review status: criteria provided, single submitter. Criteria: ACMG Guidelines, 2015. Collection method: clinical testing. Allele origin: germline.

Labcorp Genetics (formerly Invitae), Labcorp
Classification: Uncertain significance for Idiopathic generalized epilepsy; Hyperaldosteronism, familial, type IV. Last evaluated: 2023-06-14. Review status: criteria provided, single submitter. Criteria: Invitae Variant Classification Sherloc (09022015). Collection method: clinical testing. Allele origin: germline.
Comment: In summary, the available evidence is currently insufficient to determine the role of this variant in disease. Therefore, it has been classified as a Variant of Uncertain Significance. Advanced modeling of protein sequence and biophysical properties (such as structural, functional, and spatial information, amino acid conservation, physicochemical variation, residue mobility, and thermodynamic stability) performed at Invitae indicates that this missense variant is not expected to disrupt CACNA1H protein function. This variant has not been reported in the literature in individuals affected with CACNA1H-related conditions. This variant is present in population databases (rs747691408, gnomAD 0.008%). This sequence change replaces aspartic acid, which is acidic and polar, with asparagine, which is neutral and polar, at codon 958 of the CACNA1H protein (p.Asp958Asn).

NM_021098.3(CACNA1H):c.2872G>A (p.Asp958Asn)

Gene: CACNA1H (calcium voltage-gated channel subunit alpha1 H; plus strand). Cytogenetic location: 16p13.3.
Variant type: single nucleotide variant.
Coding change: c.2872G>A on transcript NM_021098.3 (MANE Select); coding-DNA position 2872, G replaced by A.
Protein change: p.Asp958Asn; replaces aspartic acid 958 with asparagine.
Molecular consequence: missense variant.
Genome position (GRCh38, 1-based): chr16:1,207,083, G>A. VCF-style: chr16-1207083-G-A. GRCh37 (hg19) VCF-style: chr16-1257083-G-A.
Other names: c.2872G>A, p.Asp958Asn (NM_001005407.2); short protein forms D958N.
Identifiers: ClinVar variation 2924239 (VCV002924239.4), dbSNP rs747691408, ClinGen allele CA7800469.
Genomic context (GRCh38, chr16:1,207,083, plus strand): 5'-GGCTGCAAGTTCAGCCTGAAGACAGACACCGGAGACACCGTGCCTGACAGGAAGAACTTC[G>A]ACTCCCTGCTGTGGGCCATCGTCACCGTGTTCCAGGTAGTGCCCGGGGTCCCCGCAGCAG-3'
Protein context (NP_066921.2, residues 948-968): GDTVPDRKNF[Asp958Asn]SLLWAIVTVF